The following is an entry in ClinVar:

NM_000238.4(KCNH2):c.2236del (p.Ala746fs)

Gene: KCNH2 (potassium voltage-gated channel subfamily H member 2; minus strand). Cytogenetic location: 7q36.1.
Variant type: Deletion.
Coding change: c.2236del on transcript NM_000238.4 (MANE Select); coding-DNA position 2236, one base deleted (G; older notation c.2236delG).
Protein change: p.Ala746fs; shifts the reading frame from alanine 746.
Molecular consequence: frameshift variant.
Genome position (GRCh38, 1-based): chr7:150,950,330, C deleted on the plus strand (G on the coding strand, the reverse complement: KCNH2 is on the minus strand); the first of 4 consecutive C bases (chr7:150,950,330-150,950,333); deleting any one gives the same sequence. VCF-style (leftmost placement, unchanged base first): chr7-150950329-GC-G. GRCh37 (hg19) VCF-style: chr7-150647417-GC-G.
Other names: c.2236delG (NM_000238.3); c.1216del, p.Ala406fs (NM_001204798.2, NM_172057.3); c.1945delG, p.Ala650Profs (NM_001406753.1, NM_001406756.1); c.2056delG, p.Ala687Profs (NM_001406755.1); c.1933delG, p.Ala646Profs (NM_001406757.1); c.2233delG, p.Ala746Profs (NM_172056.3); short protein forms A406fs, A746fs.
Identifiers: ClinVar variation 519473 (VCV000519473.7), dbSNP rs1554425277, ClinGen allele CA658797045.

ClinVar aggregate classification (germline): Pathogenic (1 of 4 stars; one submission).

Conditions:
Cardiovascular phenotype. Identifiers: MedGen CN230736.

Submission:

Ambry Genetics
Classification: Pathogenic for Cardiovascular phenotype. Last evaluated: 2017-06-29. Review status: criteria provided, single submitter. Criteria: Ambry Variant Classification Scheme 2023. Collection method: clinical testing. Allele origin: germline.
Comment: The c.2236delG pathogenic mutation, located in coding exon 9 of the KCNH2 gene, results from a deletion of one nucleotide at nucleotide position 2236, causing a translational frameshift with a predicted alternate stop codon (p.A746Pfs*11). This alteration is expected to result in loss of function by premature protein truncation or nonsense-mediated mRNA decay. As such, this alteration is interpreted as a disease-causing mutation.